The following is an entry in ClinVar:

NM_000484.4(APP):c.1619G>A (p.Arg540His)

Gene: APP (amyloid beta precursor protein; minus strand). Cytogenetic location: 21q21.3.
Variant type: single nucleotide variant.
Coding change: c.1619G>A on transcript NM_000484.4 (MANE Select); coding-DNA position 1619, G replaced by A.
Protein change: p.Arg540His; replaces arginine 540 with histidine.
Molecular consequence: missense variant.
Genome position (GRCh38, 1-based): chr21:25,954,658, C>T on the plus strand (G>A on the coding strand, the complement: APP is on the minus strand). VCF-style: chr21-25954658-C-T. GRCh37 (hg19) VCF-style: chr21-27326972-C-T.
Other names: c.1547G>A, p.Arg516His (NM_001136016.3); c.1226G>A, p.Arg409His (NM_001136129.3); c.1451G>A, p.Arg484His (NM_001136130.3, NM_001385253.1); c.1289G>A, p.Arg430His (NM_001136131.3); c.1619G>A, p.Arg540His (NM_001204301.2); c.1562G>A, p.Arg521His (NM_001204302.2, NM_201413.3); c.1394G>A, p.Arg465His (NM_001204303.2, NM_201414.3); short protein forms R409H, R430H, R484H, R516H, R540H, R465H, R521H.
Identifiers: ClinVar variation 4526133 (VCV004526133.2).

ClinVar aggregate classification (germline): Uncertain significance. Review status: criteria provided, multiple submitters, no conflicts (2 of 4 stars). 2 submissions from 2 submitters: Uncertain significance (2). Last evaluated 2025-08-12.

Conditions:
Alzheimer disease. Also called: Presenile and senile dementia; Alzheimer's disease. Identifiers: Orphanet 1020, MedGen C0002395, MeSH D000544, MONDO:0004975, HP:0002511.

gnomAD v4.1: 6 of 1,613,870 alleles (0.00037%); highest among the groups gnomAD compares: Non-Finnish European, 0.00051%; no homozygotes.

Submissions (2):

Labcorp Genetics (formerly Invitae), Labcorp
Classification: Uncertain significance for Alzheimer disease. Last evaluated: 2025-08-12. Review status: criteria provided, single submitter. Criteria: Invitae Variant Classification Sherloc (09022015). Collection method: clinical testing. Allele origin: germline.
Comment: This sequence change replaces arginine, which is basic and polar, with histidine, which is basic and polar, at codon 540 of the APP protein (p.Arg540His). This variant is present in population databases (no rsID available, gnomAD 0.002%). This variant has not been reported in the literature in individuals affected with APP-related conditions. Invitae Evidence Modeling of protein sequence and biophysical properties (such as structural, functional, and spatial information, amino acid conservation, physicochemical variation, residue mobility, and thermodynamic stability) has been performed for this missense variant. However, the output from this modeling did not meet the statistical confidence thresholds required to predict the impact of this variant on APP protein function. In summary, the available evidence is currently insufficient to determine the role of this variant in disease. Therefore, it has been classified as a Variant of Uncertain Significance.

Women's Health and Genetics/Laboratory Corporation of America, LabCorp
Classification: Uncertain significance. Last evaluated: 2025-07-29. Review status: criteria provided, single submitter. Criteria: LabCorp Variant Classification Summary - May 2015. Collection method: clinical testing. Allele origin: germline.
Comment: Variant summary: APP c.1619G>A (p.Arg540His) results in a non-conservative amino acid change in the encoded protein sequence. Algorithms developed to predict the effect of missense changes on protein structure and function are either unavailable or do not agree on the potential impact of this missense change. The variant allele was found at a frequency of 8e-06 in 250922 control chromosomes. The available data on variant occurrences in the general population are insufficient to allow any conclusion about variant significance. To our knowledge, no occurrence of c.1619G>A in individuals affected with Cerebral Amyloid Angiopathy, APP-Related and no experimental evidence demonstrating its impact on protein function have been reported. No submitters have cited clinical-significance assessments for this variant to ClinVar. Based on the evidence outlined above, the variant was classified as uncertain significance.